The following is an entry in ClinVar:

NM_001613.4(ACTA2):c.613A>G (p.Thr205Ala)

Gene: ACTA2 (actin alpha 2, smooth muscle; minus strand). Cytogenetic location: 10q23.31.
Variant type: single nucleotide variant.
Coding change: c.613A>G on transcript NM_001613.4 (MANE Select); coding-DNA position 613, A replaced by G.
Protein change: p.Thr205Ala; replaces threonine 205 with alanine.
Molecular consequence: missense variant.
Genome position (GRCh38, 1-based): chr10:88,941,232, T>C on the plus strand (A>G on the coding strand, the complement: ACTA2 is on the minus strand). VCF-style: chr10-88941232-T-C. GRCh37 (hg19) VCF-style: chr10-90700989-T-C.
Other names: c.613A>G, p.Thr205Ala (NM_001141945.3, NM_001320855.2, NM_001406462.1 and 3 more transcripts); c.502A>G, p.Thr168Ala (NM_001406466.1); c.484A>G, p.Thr162Ala (NM_001406467.1, NM_001406468.1, NM_001406469.1); short protein forms T162A, T205A, T168A.
Identifiers: ClinVar variation 2767190 (VCV002767190.3), dbSNP rs2494537332, ClinGen allele CA377511843.

ClinVar aggregate classification (germline): Uncertain significance (1 of 4 stars; one submission).

Conditions:
Aortic aneurysm, familial thoracic 6 (AAT6). Also called: FAMILIAL THORACIC AORTIC ANEURYSM WITH LIVEDO RETICULARIS AND IRIS FLOCCULI. Identifiers: MedGen C2673186, MONDO:0012730, OMIM 611788.

Submission:

Labcorp Genetics (formerly Invitae), Labcorp
Classification: Uncertain significance for Aortic aneurysm, familial thoracic 6. Last evaluated: 2023-10-09. Review status: criteria provided, single submitter. Criteria: Invitae Variant Classification Sherloc (09022015). Collection method: clinical testing. Allele origin: germline.
Comment: This sequence change replaces threonine, which is neutral and polar, with alanine, which is neutral and non-polar, at codon 205 of the ACTA2 protein (p.Thr205Ala). This variant is not present in population databases (gnomAD no frequency). This variant has not been reported in the literature in individuals affected with ACTA2-related conditions. Advanced modeling of protein sequence and biophysical properties (such as structural, functional, and spatial information, amino acid conservation, physicochemical variation, residue mobility, and thermodynamic stability) performed at Invitae indicates that this missense variant is not expected to disrupt ACTA2 protein function. In summary, the available evidence is currently insufficient to determine the role of this variant in disease. Therefore, it has been classified as a Variant of Uncertain Significance.